The following is an entry in ClinVar:

ClinVar aggregate classification (germline): Uncertain significance (1 of 4 stars; one submission).

Submission:

GeneDx
Classification: Uncertain significance. Last evaluated: 2023-12-20. Review status: criteria provided, single submitter. Criteria: GeneDx Variant Classification Process June 2021. Collection method: clinical testing. Allele origin: germline.
Comment: Not observed at significant frequency in large population cohorts (gnomAD); In silico analysis supports that this missense variant does not alter protein structure/function; Has not been previously published as pathogenic or benign to our knowledge

NM_001081550.2(THOC2):c.2065A>G (p.Ile689Val)

Gene: THOC2 (THO complex subunit 2; minus strand). Cytogenetic location: Xq25.
Variant type: single nucleotide variant.
Coding change: c.2065A>G on transcript NM_001081550.2 (MANE Select); coding-DNA position 2065, A replaced by G.
Protein change: p.Ile689Val; replaces isoleucine 689 with valine.
Molecular consequence: missense variant.
Genome position (GRCh38, 1-based): chrX:123,634,024, T>C on the plus strand (A>G on the coding strand, the complement: THOC2 is on the minus strand). VCF-style: chrX-123634024-T-C. GRCh37 (hg19) VCF-style: chrX-122767875-T-C.
Other names: short protein forms I689V.
Identifiers: ClinVar variation 2580065 (VCV002580065.2), dbSNP rs2521214896, ClinGen allele CA414268296.
Genomic context (GRCh38, chrX:123,634,024, plus strand): 5'-GCTGCTCTCCACCAGTCATAGCCTCTAGTTGCTCCATTGTCATTTCCTCTGTAATTTCTA[T>C]TCCTGCCATTTTTTGTACCACTTCTTTCAATATAAGCAGGTCAAAACTATTCAAAAAGAA-3'
Protein context (NP_001075019.1, residues 679-699): LKEVVQKMAG[Ile689Val]EITEEMTMEQ